The following is an entry in ClinVar:

NM_139076.3(ABRAXAS1):c.259A>C (p.Lys87Gln)

Gene: ABRAXAS1 (abraxas 1, BRCA1 A complex subunit; minus strand). Cytogenetic location: 4q21.23.
Variant type: single nucleotide variant.
Coding change: c.259A>C on transcript NM_139076.3 (MANE Select); coding-DNA position 259, A replaced by C.
Protein change: p.Lys87Gln; replaces lysine 87 with glutamine.
Molecular consequence: missense variant. On other transcripts: intron variant (1).
Genome position (GRCh38, 1-based): chr4:83,472,245, T>G on the plus strand (A>C on the coding strand, the complement: ABRAXAS1 is on the minus strand). VCF-style: chr4-83472245-T-G. GRCh37 (hg19) VCF-style: chr4-84393398-T-G.
Other names: c.-45-1849A>C (NM_001345962.2); short protein forms K87Q.
Identifiers: ClinVar variation 3448854 (VCV003448854.1).

ClinVar aggregate classification (germline): Uncertain significance (1 of 4 stars; one submission).

Submission:

Ambry Genetics
Classification: Uncertain significance. Last evaluated: 2024-12-06. Review status: criteria provided, single submitter. Criteria: Ambry Variant Classification Scheme 2023. Collection method: clinical testing. Allele origin: germline.
Comment: The p.K87Q variant (also known as c.259A>C), located in coding exon 4 of the FAM175A gene, results from an A to C substitution at nucleotide position 259. The lysine at codon 87 is replaced by glutamine, an amino acid with similar properties. This amino acid position is conserved. In addition, this alteration is predicted to be tolerated by in silico analysis. Based on the available evidence, the clinical significance of this variant remains unclear.